The following is an entry in ClinVar:

ClinVar aggregate classification (germline): Uncertain significance. Review status: criteria provided, multiple submitters, no conflicts (2 of 4 stars). 2 submissions from 2 submitters: Uncertain significance (2). Last evaluated 2026-08-17.

Conditions:
Aortic aneurysm, familial thoracic 7 (AAT7). Also called: AORTIC DISSECTION, FAMILIAL, WITH OR WITHOUT AORTIC ANEURYSM. Identifiers: MedGen C3151077, MONDO:0013418, OMIM 613780.
Familial thoracic aortic aneurysm and aortic dissection (TAAD). Also called: Thoracic aortic aneurysms and dissections. Identifiers: Orphanet 91387, MedGen C4707243, MONDO:0019625.

gnomAD v4.1: 11 of 1,614,010 alleles (0.00068%); highest among the groups gnomAD compares: Non-Finnish European, 0.00093%; no homozygotes.

Submissions (2):

Ambry Genetics
Classification: Uncertain significance for Familial thoracic aortic aneurysm and aortic dissection. Last evaluated: 2026-08-17. Review status: criteria provided, single submitter. Criteria: Ambry Variant Classification Scheme 2023. Collection method: clinical testing. Allele origin: germline.
Comment: The p.I655V variant (also known as c.1963A>G), located in coding exon 12 of the MYLK gene, results from an A to G substitution at nucleotide position 1963. The isoleucine at codon 655 is replaced by valine, an amino acid with highly similar properties. This amino acid position is not well conserved in available vertebrate species. In addition, this alteration is predicted to be tolerated by in silico analysis. Based on the available evidence, the clinical significance of this variant remains unclear.

Labcorp Genetics (formerly Invitae), Labcorp
Classification: Uncertain significance for Aortic aneurysm, familial thoracic 7. Last evaluated: 2025-03-31. Review status: criteria provided, single submitter. Criteria: Invitae Variant Classification Sherloc (09022015). Collection method: clinical testing. Allele origin: germline.
Comment: This sequence change replaces isoleucine, which is neutral and non-polar, with valine, which is neutral and non-polar, at codon 655 of the MYLK protein (p.Ile655Val). This variant is present in population databases (no rsID available, gnomAD 0.002%). This variant has not been reported in the literature in individuals affected with MYLK-related conditions. Invitae Evidence Modeling of protein sequence and biophysical properties (such as structural, functional, and spatial information, amino acid conservation, physicochemical variation, residue mobility, and thermodynamic stability) indicates that this missense variant is not expected to disrupt MYLK protein function with a negative predictive value of 80%. In summary, the available evidence is currently insufficient to determine the role of this variant in disease. Therefore, it has been classified as a Variant of Uncertain Significance.

NM_053025.4(MYLK):c.1963A>G (p.Ile655Val)

Gene: MYLK (myosin light chain kinase; minus strand). Cytogenetic location: 3q21.1.
Variant type: single nucleotide variant.
Coding change: c.1963A>G on transcript NM_053025.4 (MANE Select); coding-DNA position 1963, A replaced by G.
Protein change: p.Ile655Val; replaces isoleucine 655 with valine.
Molecular consequence: missense variant.
Genome position (GRCh38, 1-based): chr3:123,708,875, T>C on the plus strand (A>G on the coding strand, the complement: MYLK is on the minus strand). VCF-style: chr3-123708875-T-C. GRCh37 (hg19) VCF-style: chr3-123427722-T-C.
Other names: c.1435A>G, p.Ile479Val (NM_001321309.2); c.1756A>G, p.Ile586Val (NM_053026.4, NM_053028.4); c.1963A>G, p.Ile655Val (NM_053027.4); c.1963A>G (NM_053025.3); short protein forms I479V, I655V, I586V.
Identifiers: ClinVar variation 4738426 (VCV004738426.2).
Genomic context (GRCh38, chr3:123,708,875, plus strand): 5'-CTCTCTGTTCAAAGTGGAAGTCCTCTGACTCTTGGATCTCATTCCCATTGTGCAGCCAGA[T>C]GACTTCAGGGGGTGGATTCCCTGAACCAGGAGGAGGGGAAGGGGGATTGGTTAGGGAGGT-3'
Protein context (NP_444253.3, residues 645-665): QVSGNPPPEV[Ile655Val]WLHNGNEIQE